The following is an entry in ClinVar:

NM_000284.4(PDHA1):c.363C>T (p.His121=)

Gene: PDHA1 (pyruvate dehydrogenase E1 subunit alpha 1; plus strand). Cytogenetic location: Xp22.12.
Variant type: single nucleotide variant.
Coding change: c.363C>T on transcript NM_000284.4 (MANE Select); coding-DNA position 363, C replaced by T.
Protein change: p.His121=; no amino-acid change (histidine 121 retained).
Molecular consequence: synonymous variant.
Genome position (GRCh38, 1-based): chrX:19,351,352, C>T. VCF-style: chrX-19351352-C-T. GRCh37 (hg19) VCF-style: chrX-19369470-C-T.
Other names: c.477C>T, p.His159= (NM_001173454.2); c.384C>T, p.His128= (NM_001173455.2); c.363C>T, p.His121= (NM_001173456.2).
Identifiers: ClinVar variation 509459 (VCV000509459.17), dbSNP rs183170654, ClinGen allele CA10363027.

ClinVar aggregate classification (germline): Benign/Likely benign. Review status: criteria provided, multiple submitters, no conflicts (2 of 4 stars). 5 submissions from 5 submitters: Benign (1); Likely benign (4). Last evaluated 2026-10-01.

Conditions:
Pyruvate dehydrogenase E1-alpha deficiency (PDHAD). Also called: ATAXIA, INTERMITTENT, WITH PYRUVATE DEHYDROGENASE DEFICIENCY; ATAXIA WITH LACTIC ACIDOSIS I; ATAXIA, INTERMITTENT, WITH ABNORMAL PYRUVATE METABOLISM; Ataxia, intermittent, with pyruvate dehydrogenase, or decarboxylase, deficiency. Identifiers: Orphanet 79243, MedGen C1839413, MONDO:0010717, OMIM 312170.

Allele frequency attached by ClinVar (database versions not stated): TOPMed 0.00015; gnomAD exomes 0.00018 and 0.00011; 1000 Genomes Project 30x 0.00021; 1000 Genomes Project 0.00026; gnomAD 0.00012 and 0.00013; ExAC 0.00015.
gnomAD v4.1: 213 of 1,207,870 alleles (0.018%); highest among the groups gnomAD compares: Non-Finnish European, 0.021%; no homozygotes.

Submissions (5):

CeGaT Center for Human Genetics Tuebingen
Classification: Likely benign. Last evaluated: 2026-10-01. Review status: criteria provided, single submitter. Criteria: CeGaT Center For Human Genetics Tuebingen Variant Classification Criteria Version 2. Collection method: clinical testing. Allele origin: germline. Affected: yes. Observed: 1 variant allele.
Comment: PDHA1: BP4, BP7, BS2

Labcorp Genetics (formerly Invitae), Labcorp
Classification: Benign for Pyruvate dehydrogenase E1-alpha deficiency. Last evaluated: 2026-01-25. Review status: criteria provided, single submitter. Criteria: Invitae Variant Classification Sherloc (09022015). Collection method: clinical testing. Allele origin: germline.

Blueprint Genetics
Classification: Likely benign. Last evaluated: 2024-10-14. Review status: criteria provided, single submitter. Criteria: ACMG Guidelines, 2015. Collection method: clinical testing. Allele origin: germline.

GeneDx
Classification: Likely benign. Last evaluated: 2019-01-25. Review status: criteria provided, single submitter. Criteria: GeneDx Variant Classification Process June 2021. Collection method: clinical testing. Allele origin: germline. Affected: yes.

Breakthrough Genomics
Classification: Likely benign. Review status: criteria provided, single submitter. Criteria: ACMG Guidelines, 2015. Collection method: not provided. Allele origin: germline. Inheritance: X-linked inheritance. Affected: yes.